The following is an entry in ClinVar:

ClinVar aggregate classification (germline): Uncertain significance (1 of 4 stars; one submission).

gnomAD v4.1: 16 of 1,613,272 alleles (0.00099%); highest among the groups gnomAD compares: South Asian, 0.016%; no homozygotes.

Submission:

Ambry Genetics
Classification: Uncertain significance. Last evaluated: 2026-01-14. Review status: criteria provided, single submitter. Criteria: Ambry Variant Classification Scheme 2023. Collection method: clinical testing. Allele origin: germline.
Comment: The c.211C>G (p.L71V) alteration is located in exon 2 (coding exon 1) of the APBA3 gene. This alteration results from a C to G substitution at nucleotide position 211, causing the leucine (L) at amino acid position 71 to be replaced by a valine (V). Based on data from gnomAD, the G allele has an overall frequency of 0.002% (5/250580) total alleles studied. The highest observed frequency was 0.016% (5/30614) of South Asian alleles. Based on insufficient or conflicting evidence, the clinical significance of this alteration remains unclear.

NM_004886.4(APBA3):c.211C>G (p.Leu71Val)

Gene: APBA3 (amyloid beta precursor protein binding family A member 3; minus strand). Cytogenetic location: 19p13.3.
Variant type: single nucleotide variant.
Coding change: c.211C>G on transcript NM_004886.4 (MANE Select); coding-DNA position 211, C replaced by G.
Protein change: p.Leu71Val; replaces leucine 71 with valine.
Molecular consequence: missense variant.
Genome position (GRCh38, 1-based): chr19:3,760,054, G>C on the plus strand (C>G on the coding strand, the complement: APBA3 is on the minus strand). VCF-style: chr19-3760054-G-C. GRCh37 (hg19) VCF-style: chr19-3760052-G-C.
Other names: short protein forms L71V.
Identifiers: ClinVar variation 4839414 (VCV004839414.1).